The following is an entry in ClinVar:

NM_001370259.2(MEN1):c.861G>A (p.Glu287=)

Gene: MEN1 (menin 1; minus strand). Cytogenetic location: 11q13.1.
Variant type: single nucleotide variant.
Coding change: c.861G>A on transcript NM_001370259.2 (MANE Select); coding-DNA position 861, G replaced by A.
Protein change: p.Glu287=; no amino-acid change (glutamic acid 287 retained).
Molecular consequence: synonymous variant.
Genome position (GRCh38, 1-based): chr11:64,807,062, C>T on the plus strand (G>A on the coding strand, the complement: MEN1 is on the minus strand). VCF-style: chr11-64807062-C-T. GRCh37 (hg19) VCF-style: chr11-64574534-C-T.
Other names: c.876G>A, p.Glu292= (NM_130803.3, NM_130804.3, NM_000244.4 and 3 more transcripts); c.861G>A, p.Glu287= (NM_001370251.2, NM_001370260.2, NM_001370261.2 and 1 more transcripts); c.756G>A, p.Glu252= (NM_001370262.2, NM_001370263.2).
Identifiers: ClinVar variation 747884 (VCV000747884.15), dbSNP rs1336658836, ClinGen allele CA474983590.

ClinVar aggregate classification (germline): Benign/Likely benign. Review status: criteria provided, multiple submitters, no conflicts (2 of 4 stars). 4 submissions from 4 submitters: Benign (1); Likely benign (3). Last evaluated 2024-11-04.

Conditions:
Multiple endocrine neoplasia, type 1 (MEN1). Also called: MEA I; MEN I; WERMER SYNDROME; Endocrine adenomatosis multiple; MEN 1. Identifiers: Orphanet 652, MedGen C0025267, MeSH D018761, MONDO:0007540, OMIM 131100.
Hereditary cancer-predisposing syndrome. Also called: Tumor predisposition; Hereditary Cancer Syndrome; Neoplastic Syndromes, Hereditary; Hereditary neoplastic syndrome. Identifiers: Orphanet 140162, MedGen C0027672, MeSH D009386, MONDO:0015356.

Allele frequency attached by ClinVar (database versions not stated): gnomAD exomes below 0.00001 and 0.00001.

Submissions (4):

Myriad Genetics, Inc.
Classification: Benign for Multiple endocrine neoplasia, type 1. Last evaluated: 2024-11-04. Review status: criteria provided, single submitter. Criteria: Myriad Autosomal Dominant, Autosomal Recessive and X-Linked Classification Criteria (2023). Collection method: clinical testing. Allele origin: unknown.
Comment: This variant is considered benign. This variant is a silent/synonymous amino acid change and it is not expected to impact splicing.

All of Us Research Program, National Institutes of Health
Classification: Likely benign for Multiple endocrine neoplasia, type 1. Last evaluated: 2023-07-10. Review status: criteria provided, single submitter. Criteria: ACMG Guidelines, 2015. Collection method: clinical testing. Allele origin: germline. Inheritance: Autosomal dominant inheritance. Observed: 1 variant allele, 1 heterozygote.
Comment: This study involves interpretation of variants in research participants for the purpose of population health screening. Participant phenotype was not available at the time of variant classification. Additional details can be found in publication PMID: 35346344, PMCID: PMC8962531

Labcorp Genetics (formerly Invitae), Labcorp
Classification: Likely benign for Multiple endocrine neoplasia, type 1. Last evaluated: 2022-10-25. Review status: criteria provided, single submitter. Criteria: Invitae Variant Classification Sherloc (09022015). Collection method: clinical testing. Allele origin: germline.

Ambry Genetics
Classification: Likely benign for Hereditary cancer-predisposing syndrome. Last evaluated: 2022-06-10. Review status: criteria provided, single submitter. Criteria: Ambry Variant Classification Scheme 2023. Collection method: clinical testing. Allele origin: germline.